The following is an entry in ClinVar:

NM_002439.5(MSH3):c.2297C>T (p.Thr766Ile)

Gene: MSH3 (mutS homolog 3; plus strand). Cytogenetic location: 5q14.1.
Variant type: single nucleotide variant.
Coding change: c.2297C>T on transcript NM_002439.5 (MANE Select); coding-DNA position 2297, C replaced by T.
Protein change: p.Thr766Ile; replaces threonine 766 with isoleucine.
Molecular consequence: missense variant.
Genome position (GRCh38, 1-based): chr5:80,775,737, C>T. VCF-style: chr5-80775737-C-T. GRCh37 (hg19) VCF-style: chr5-80071556-C-T.
Other names: c.2297C>T (NM_002439.3); short protein forms T766I.
Identifiers: ClinVar variation 2632439 (VCV002632439.3), dbSNP rs1744286643, ClinGen allele CA360280891.

ClinVar aggregate classification (germline): Uncertain significance. Review status: criteria provided, multiple submitters, no conflicts (2 of 4 stars). 3 submissions from 3 submitters: Uncertain significance (3). Last evaluated 2026-02-28.

Conditions:
Hereditary cancer-predisposing syndrome. Also called: Tumor predisposition; Hereditary Cancer Syndrome; Hereditary neoplastic syndrome; Neoplastic Syndromes, Hereditary. Identifiers: Orphanet 140162, MedGen C0027672, MeSH D009386, MONDO:0015356.
MSH3-related disorder. Also called: MSH3-related condition.
Endometrial carcinoma. Also called: Endometrial carcinoma, somatic. Identifiers: MedGen C0476089, MONDO:0002447, OMIM 608089, HP:0012114.

Submissions (3):

Ambry Genetics
Classification: Uncertain significance for Hereditary cancer-predisposing syndrome. Last evaluated: 2026-02-28. Review status: criteria provided, single submitter. Criteria: Ambry Variant Classification Scheme 2023. Collection method: clinical testing. Allele origin: germline.
Comment: The p.T766I variant (also known as c.2297C>T), located in coding exon 16 of the MSH3 gene, results from a C to T substitution at nucleotide position 2297. The threonine at codon 766 is replaced by isoleucine, an amino acid with similar properties. This amino acid position is conserved. In addition, this alteration is predicted to be tolerated by in silico analysis. Based on the available evidence, the clinical significance of this variant remains unclear.

Baylor Genetics
Classification: Uncertain significance for Endometrial carcinoma. Last evaluated: 2023-09-26. Review status: criteria provided, single submitter. Criteria: ACMG Guidelines, 2015. Collection method: clinical testing. Allele origin: unknown.

PreventionGenetics, part of Exact Sciences
Classification: Uncertain significance for MSH3-related condition. Last evaluated: 2023-05-17. Review status: criteria provided, single submitter. Criteria: ACMG Guidelines, 2015. Collection method: clinical testing. Allele origin: germline.
Comment: The MSH3 c.2297C>T variant is predicted to result in the amino acid substitution p.Thr766Ile. To our knowledge, this variant has not been reported in the literature or in a large population database, indicating this variant is rare. This variant is not reported in the ClinVar database. At this time, the clinical significance of this variant is uncertain due to the absence of conclusive functional and genetic evidence.